The following is an entry in ClinVar:

ClinVar aggregate classification (germline): Benign/Likely benign. Review status: criteria provided, multiple submitters, no conflicts (2 of 4 stars). 3 submissions from 3 submitters: Benign (2); Likely benign (1). Last evaluated 2026-02-03.

Allele frequency attached by ClinVar (database versions not stated): gnomAD exomes 0.00016 and 0.00047; ExAC 0.00064; 1000 Genomes Project 30x 0.00156; 1000 Genomes Project 0.00160; gnomAD 0.00184 and 0.00195; TOPMed 0.00198; ESP Exome Variant Server 0.00269.
gnomAD v4.1: 544 of 1,613,318 alleles (0.034%); highest among the groups gnomAD compares: African/African-American, 0.64%; 2 homozygotes.

Submissions (3):

Labcorp Genetics (formerly Invitae), Labcorp
Classification: Benign. Last evaluated: 2026-02-03. Review status: criteria provided, single submitter. Criteria: Invitae Variant Classification Sherloc (09022015). Collection method: clinical testing. Allele origin: germline.

Blueprint Genetics
Classification: Likely benign. Last evaluated: 2024-09-11. Review status: criteria provided, single submitter. Criteria: ACMG Guidelines, 2015. Collection method: clinical testing. Allele origin: germline.

CeGaT Center for Human Genetics Tuebingen
Classification: Benign. Last evaluated: 2022-06-01. Review status: criteria provided, single submitter. Criteria: CeGaT Center For Human Genetics Tuebingen Variant Classification Criteria Version 2. Collection method: clinical testing. Allele origin: germline. Affected: yes. Observed: 1 variant allele.
Comment: PACS2: BS1, BS2

NM_001100913.3(PACS2):c.2034-7C>T

Gene: PACS2 (phosphofurin acidic cluster sorting protein 2; plus strand). Cytogenetic location: 14q32.33.
Variant type: single nucleotide variant.
Coding change: c.2034-7C>T on transcript NM_001100913.3 (MANE Select); 7 bases into the intron before coding-DNA position 2034, C replaced by T.
Molecular consequence: intron variant.
Genome position (GRCh38, 1-based): chr14:105,389,954, C>T. VCF-style: chr14-105389954-C-T. GRCh37 (hg19) VCF-style: chr14-105856291-C-T.
Other names: c.1764-7C>T (NM_001243127.3); c.1989-7C>T (NM_015197.4).
Identifiers: ClinVar variation 1624935 (VCV001624935.33), dbSNP rs111383050, ClinGen allele CA7389104.